The following is an entry in ClinVar:

NM_001360.3(DHCR7):c.545G>T (p.Trp182Leu)

Gene: DHCR7 (7-dehydrocholesterol reductase; minus strand). Cytogenetic location: 11q13.4.
Variant type: single nucleotide variant.
Coding change: c.545G>T on transcript NM_001360.3 (MANE Select); coding-DNA position 545, G replaced by T.
Protein change: p.Trp182Leu; replaces tryptophan 182 with leucine.
Molecular consequence: missense variant.
Genome position (GRCh38, 1-based): chr11:71,441,308, C>A on the plus strand (G>T on the coding strand, the complement: DHCR7 is on the minus strand). VCF-style: chr11-71441308-C-A. GRCh37 (hg19) VCF-style: chr11-71152354-C-A.
Other names: c.545G>T, p.Trp182Leu (NM_001163817.2, NM_001425107.1, NM_001425109.1 and 7 more transcripts); c.581G>T, p.Trp194Leu (NM_001425108.1); c.485G>T, p.Trp162Leu (NM_001425113.1); c.449G>T, p.Trp150Leu (NM_001425114.1, NM_001425116.1); c.371G>T, p.Trp124Leu (NM_001425117.1); short protein forms W124L, W150L, W162L, W182L, W194L.
Identifiers: ClinVar variation 4814832 (VCV004814832.1).
Genomic context (GRCh38, chr11:71,441,308, plus strand): 5'-AAGAAGTAGCCCTTGACCATGGCGAAGGTGGAGACGGCATAGCCAAGGATGTTGGCGCAC[C>A]ACAGCAGTGGGATCCAGTTGTCGAAGATGATGGTGGGCGAGAACCAGGACAGGAGATGAG-3'
Protein context (NP_001351.2, residues 172-192): IIFDNWIPLL[Trp182Leu]CANILGYAVS

ClinVar aggregate classification (germline): Likely pathogenic (1 of 4 stars; one submission).

Conditions:
Smith-Lemli-Opitz syndrome (SLOS). Also called: LETHAL ACRODYSGENITAL SYNDROME; POLYDACTYLY, SEX REVERSAL, RENAL HYPOPLASIA, AND UNILOBAR LUNG; RSH SYNDROME; RUTLEDGE LETHAL MULTIPLE CONGENITAL ANOMALY SYNDROME; 7-Dehydrocholesterol reductase deficiency. Identifiers: Orphanet 818, MedGen C0175694, MONDO:0010035, OMIM 270400.

Submission:

Natera, Inc.
Classification: Likely pathogenic for Smith-Lemli-Opitz syndrome. Last evaluated: 2024-08-01. Review status: criteria provided, single submitter. Criteria: Natera Variant Classification Schema (03/2026). Collection method: clinical testing. Allele origin: germline.
Comment: The c.545G>T variant in DHCR7 is a missense variant predicted to cause substitution of tryptophan to leucine at amino acid 182. This variant is rare in the general population with a frequency below the threshold expected for the associated phenotype(s). This variant has been observed in one or more individuals affected with the associated recessive disease, as either homozygous or compound heterozygous with a second variant (PMID: 15979035, 11427181). Given the available evidence, this variant is classified as Likely Pathogenic.

Literature cited by the submitters: PubMed 15979035; PubMed 11427181.